The following is an entry in ClinVar:

NM_017849.4(TMEM127):c.327del (p.Ala110fs)

Gene: TMEM127 (transmembrane protein 127; minus strand). Cytogenetic location: 2q11.2.
Variant type: Deletion.
Coding change: c.327del on transcript NM_017849.4 (MANE Select); coding-DNA position 327, one base deleted (C; older notation c.327delC).
Protein change: p.Ala110fs; shifts the reading frame from alanine 110.
Molecular consequence: frameshift variant.
Genome position (GRCh38, 1-based): chr2:96,254,915, G deleted on the plus strand (C on the coding strand, the reverse complement: TMEM127 is on the minus strand); the first of 2 consecutive G bases (chr2:96,254,915-96,254,916); deleting either gives the same sequence. VCF-style (leftmost placement, unchanged base first): chr2-96254914-CG-C. GRCh37 (hg19) VCF-style: chr2-96920652-CG-C.
Other names: c.327del, p.Ala110fs (NM_001193304.3); c.75del, p.Ala26fs (NM_001407282.1, NM_001407283.1); short protein forms A110fs, A26fs.
Identifiers: ClinVar variation 2693569 (VCV002693569.3), dbSNP rs2467266412, ClinGen allele CA2697550986.

ClinVar aggregate classification (germline): Pathogenic (1 of 4 stars; one submission).

Conditions:
Hereditary pheochromocytoma and paraganglioma. Also called: Hereditary Paraganglioma-Pheochromocytoma Syndromes; Hereditary pheochromocytoma-paraganglioma; Hereditary paragangliomas and pheochromocytomas. Identifiers: Orphanet 29072, MedGen C4274332, MONDO:0017366.

Submission:

Labcorp Genetics (formerly Invitae), Labcorp
Classification: Pathogenic for Hereditary pheochromocytoma and paraganglioma. Last evaluated: 2023-11-06. Review status: criteria provided, single submitter. Criteria: Invitae Variant Classification Sherloc (09022015). Collection method: clinical testing. Allele origin: germline.
Comment: This sequence change creates a premature translational stop signal (p.Ala110Leufs*14) in the TMEM127 gene. While this is not anticipated to result in nonsense mediated decay, it is expected to disrupt the last 129 amino acid(s) of the TMEM127 protein. This variant is not present in population databases (gnomAD no frequency). This variant has not been reported in the literature in individuals affected with TMEM127-related conditions. This variant disrupts a region of the TMEM127 protein in which other variant(s) (p.Tyr178Leufs*48) have been determined to be pathogenic (PMID: 28384794, 28855235; Invitae). This suggests that this is a clinically significant region of the protein, and that variants that disrupt it are likely to be disease-causing. For these reasons, this variant has been classified as Pathogenic.

Literature cited by the submitters: PubMed 28384794; PubMed 28855235.